The following is an entry in ClinVar:

NM_006642.5(SDCCAG8):c.675+191C>A

Gene: SDCCAG8 (SHH signaling and ciliogenesis regulator SDCCAG8; plus strand). Cytogenetic location: 1q43.
Variant type: single nucleotide variant.
Coding change: c.675+191C>A on transcript NM_006642.5 (MANE Select); 191 bases into the intron after coding-DNA position 675, C replaced by A.
Molecular consequence: intron variant. On other transcripts: synonymous variant (1), 5 prime UTR variant (1).
Genome position (GRCh38, 1-based): chr1:243,293,410, C>A. VCF-style: chr1-243293410-C-A. GRCh37 (hg19) VCF-style: chr1-243456712-C-A.
Other names: c.687C>A, p.Ile229= (NM_001350248.2); c.-687C>A (NM_001350251.2); c.381+191C>A (NM_001350249.2); c.-438+191C>A (NM_001350246.2); c.-326+191C>A (NM_001350247.2).
Identifiers: ClinVar variation 3356088 (VCV003356088.1).

ClinVar aggregate classification (germline): Likely benign (0 of 4 stars; one submission).

Conditions:
SDCCAG8-related disorder. Also called: SDCCAG8-Related Disorders; SDCCAG8-related condition.

gnomAD v4.1: 1 of 725,324 alleles (0.00014%); highest among the groups gnomAD compares: Non-Finnish European, 0.00024%; no homozygotes.

Submission:

PreventionGenetics, part of Exact Sciences
Classification: Likely benign for SDCCAG8-related condition. Last evaluated: 2023-12-05. Review status: no assertion criteria provided. Collection method: clinical testing. Allele origin: germline.
Comment: This variant is classified as likely benign based on ACMG/AMP sequence variant interpretation guidelines (Richards et al. 2015 PMID: 25741868, with internal and published modifications).